The following is an entry in ClinVar:

NM_017780.4(CHD7):c.584G>A (p.Arg195His)

Gene: CHD7 (chromodomain helicase DNA binding protein 7; plus strand). Cytogenetic location: 8q12.2.
Variant type: single nucleotide variant.
Coding change: c.584G>A on transcript NM_017780.4 (MANE Select); coding-DNA position 584, G replaced by A.
Protein change: p.Arg195His; replaces arginine 195 with histidine.
Molecular consequence: missense variant.
Genome position (GRCh38, 1-based): chr8:60,742,016, G>A. VCF-style: chr8-60742016-G-A. GRCh37 (hg19) VCF-style: chr8-61654575-G-A.
Other names: c.584G>A, p.Arg195His (NM_001316690.1); c.584G>A (NM_017780.2); short protein forms R195H.
Identifiers: ClinVar variation 851986 (VCV000851986.12), dbSNP rs1250450695, ClinGen allele CA371298150.

ClinVar aggregate classification (germline): Uncertain significance. Review status: criteria provided, multiple submitters, no conflicts (2 of 4 stars). 3 submissions from 3 submitters: Uncertain significance (3). Last evaluated 2023-05-19.

Conditions:
CHARGE syndrome (CHARGE). Also called: CHARGE ASSOCIATION--COLOBOMA, HEART ANOMALY, CHOANAL ATRESIA, RETARDATION, GENITAL AND EAR ANOMALIES; Coloboma, heart anomaly, choanal atresia, retardation, genital and ear anomalies; CHARGE association; Hall-Hittner syndrome; Hittner Hirsch Kreh syndrome. Identifiers: Orphanet 138, MedGen C0265354, MONDO:0008965.

Allele frequency attached by ClinVar (database versions not stated): TOPMed below 0.00001; gnomAD 0.00001; gnomAD exomes 0.00001.

Submissions (3):

GeneDx
Classification: Uncertain significance. Last evaluated: 2023-05-19. Review status: criteria provided, single submitter. Criteria: GeneDx Variant Classification Process June 2021. Collection method: clinical testing. Allele origin: germline. Affected: yes.
Comment: Not observed at significant frequency in large population cohorts (gnomAD); In silico analysis supports that this missense variant does not alter protein structure/function; Has not been previously published as pathogenic or benign to our knowledge

Laboratorio de Genetica e Diagnostico Molecular, Hospital Israelita Albert Einstein
Classification: Uncertain significance. Last evaluated: 2021-10-19. Review status: criteria provided, single submitter. Criteria: ACMG Guidelines, 2015. Collection method: clinical testing. Allele origin: germline. Affected: yes.
Comment: ACMG classification criteria: PM2, BP4

Labcorp Genetics (formerly Invitae), Labcorp
Classification: Uncertain significance for CHARGE syndrome. Last evaluated: 2019-03-13. Review status: criteria provided, single submitter. Criteria: Invitae Variant Classification Sherloc (09022015). Collection method: clinical testing. Allele origin: germline.
Comment: In summary, the available evidence is currently insufficient to determine the role of this variant in disease. Therefore, it has been classified as a Variant of Uncertain Significance. Algorithms developed to predict the effect of missense changes on protein structure and function are either unavailable or do not agree on the potential impact of this missense change (SIFT: "Tolerated"; PolyPhen-2: "Possibly Damaging"; Align-GVGD: "Class C0"). This variant has not been reported in the literature in individuals with CHD7-related conditions. This variant is not present in population databases (ExAC no frequency). This sequence change replaces arginine with histidine at codon 195 of the CHD7 protein (p.Arg195His). The arginine residue is highly conserved and there is a small physicochemical difference between arginine and histidine.